The following is an entry in ClinVar:

NM_005585.5(SMAD6):c.1405G>C (p.Ala469Pro)

Gene: SMAD6 (SMAD family member 6; plus strand). Cytogenetic location: 15q22.31.
Variant type: single nucleotide variant.
Coding change: c.1405G>C on transcript NM_005585.5 (MANE Select); coding-DNA position 1405, G replaced by C.
Protein change: p.Ala469Pro; replaces alanine 469 with proline.
Molecular consequence: missense variant. On other transcripts: non-coding transcript variant (1).
Genome position (GRCh38, 1-based): chr15:66,781,449, G>C. VCF-style: chr15-66781449-G-C. GRCh37 (hg19) VCF-style: chr15-67073787-G-C.
Other names: short protein forms A469P.
Identifiers: ClinVar variation 539115 (VCV000539115.10), dbSNP rs1416212959, ClinGen allele CA393202468.

ClinVar aggregate classification (germline): Uncertain significance. Review status: criteria provided, multiple submitters, no conflicts (2 of 4 stars). 2 submissions from 2 submitters: Uncertain significance (2). Last evaluated 2021-02-25.

Conditions:
Aortic valve disease 2 (AOVD2). Identifiers: MedGen C3542024, MONDO:0013902, OMIM 614823.

gnomAD v4.1: 1 of 1,605,022 alleles (0.000062%); highest among the groups gnomAD compares: Non-Finnish European, 0.000085%; no homozygotes.

Submissions (2):

Blueprint Genetics
Classification: Uncertain significance. Last evaluated: 2021-02-25. Review status: criteria provided, single submitter. Criteria: ACMG Guidelines, 2015. Collection method: clinical testing. Allele origin: germline.

Labcorp Genetics (formerly Invitae), Labcorp
Classification: Uncertain significance for Aortic valve disease 2. Last evaluated: 2017-11-03. Review status: criteria provided, single submitter. Criteria: Invitae Variant Classification Sherloc (09022015). Collection method: clinical testing. Allele origin: germline.
Comment: In summary, the available evidence is currently insufficient to determine the role of this variant in disease. Therefore, it has been classified as a Variant of Uncertain Significance. Algorithms developed to predict the effect of missense changes on protein structure and function do not agree on the potential impact of this missense change (SIFT: "Deleterious"; PolyPhen-2: "Probably Damaging"; Align-GVGD: "Class C0"). This variant has not been reported in the literature in individuals with SMAD6-related disease. This variant is not present in population databases (ExAC no frequency). This sequence change replaces alanine with proline at codon 469 of the SMAD6 protein (p.Ala469Pro). The alanine residue is highly conserved and there is a small physicochemical difference between alanine and proline.